The following is an entry in ClinVar:

ClinVar aggregate classification (germline): Conflicting classifications of pathogenicity. Review status: criteria provided, conflicting classifications (1 of 4 stars). 3 submissions from 3 submitters: Uncertain significance (2); Likely benign (1). Last evaluated 2026-01-22.

Conditions:
Transcobalamin II deficiency (TCN2D). Also called: TC II DEFICIENCY; TCN2 DEFICIENCY; Transcolabamin II deficiency. Identifiers: Orphanet 859, MedGen C0342701, MONDO:0010149, OMIM 275350.

Allele frequency attached by ClinVar (database versions not stated): gnomAD 0.00008 and 0.00009; gnomAD exomes 0.00010 and 0.00042; TOPMed 0.00023; 1000 Genomes Project 30x 0.00031; ExAC 0.00031; 1000 Genomes Project 0.00040.
gnomAD v4.1: 157 of 1,613,942 alleles (0.0097%); highest among the groups gnomAD compares: East Asian, 0.34%; 1 homozygote.

Submissions (3):

Labcorp Genetics (formerly Invitae), Labcorp
Classification: Likely benign for Transcobalamin II deficiency. Last evaluated: 2026-01-22. Review status: criteria provided, single submitter. Criteria: Invitae Variant Classification Sherloc (09022015). Collection method: clinical testing. Allele origin: germline.

Blueprint Genetics
Classification: Uncertain significance. Last evaluated: 2024-05-06. Review status: criteria provided, single submitter. Criteria: ACMG Guidelines, 2015. Collection method: clinical testing. Allele origin: germline.

Baylor Genetics
Classification: Uncertain significance for Transcobalamin II deficiency. Last evaluated: 2019-01-24. Review status: criteria provided, single submitter. Criteria: ACMG Guidelines, 2015. Collection method: clinical testing. Allele origin: paternal. Affected: yes.
Comment: This variant was determined to be of uncertain significance according to ACMG Guidelines, 2015 [PMID:25741868].

NM_000355.4(TCN2):c.424A>G (p.Ile142Val)

Gene: TCN2 (transcobalamin 2; plus strand). Cytogenetic location: 22q12.2.
Variant type: single nucleotide variant.
Coding change: c.424A>G on transcript NM_000355.4 (MANE Select); coding-DNA position 424, A replaced by G.
Protein change: p.Ile142Val; replaces isoleucine 142 with valine.
Molecular consequence: missense variant. On other transcripts: intron variant (1).
Genome position (GRCh38, 1-based): chr22:30,613,039, A>G. VCF-style: chr22-30613039-A-G. GRCh37 (hg19) VCF-style: chr22-31009026-A-G.
Other names: c.346+78A>G (NM_001184726.2); short protein forms I142V.
Identifiers: ClinVar variation 1029799 (VCV001029799.10), dbSNP rs200771616, ClinGen allele CA10184618.